The following is an entry in ClinVar:

ClinVar aggregate classification (germline): Uncertain significance. Review status: criteria provided, multiple submitters, no conflicts (2 of 4 stars). 2 submissions from 2 submitters: Uncertain significance (2). Last evaluated 2025-12-23.

Allele frequency attached by ClinVar (database versions not stated): gnomAD exomes 0.00003 and 0.00006; ExAC 0.00007; ESP Exome Variant Server 0.00008; 1000 Genomes Project 30x 0.00016; 1000 Genomes Project 0.00020; gnomAD 0.00027 and 0.00031; TOPMed 0.00028.
gnomAD v4.1: 85 of 1,614,122 alleles (0.0053%); highest among the groups gnomAD compares: African/African-American, 0.11%; no homozygotes.

Submissions (2):

Labcorp Genetics (formerly Invitae), Labcorp
Classification: Uncertain significance. Last evaluated: 2025-12-23. Review status: criteria provided, single submitter. Criteria: Invitae Variant Classification Sherloc (09022015). Collection method: clinical testing. Allele origin: germline.
Comment: This sequence change replaces phenylalanine, which is neutral and non-polar, with leucine, which is neutral and non-polar, at codon 929 of the ADGRA3 protein (p.Phe929Leu). This variant is present in population databases (rs200130550, gnomAD 0.09%), and has an allele count higher than expected for a pathogenic variant. This variant has not been reported in the literature in individuals affected with ADGRA3-related conditions. ClinVar contains an entry for this variant (Variation ID: 1045703). An algorithm developed to predict the effect of missense changes on protein structure and function (PolyPhen-2) suggests that this variant is likely to be disruptive. In summary, the available evidence is currently insufficient to determine the role of this variant in disease. Therefore, it has been classified as a Variant of Uncertain Significance.

Ambry Genetics
Classification: Uncertain significance. Last evaluated: 2025-11-05. Review status: criteria provided, single submitter. Criteria: Ambry Variant Classification Scheme 2023. Collection method: clinical testing. Allele origin: germline.

NM_145290.4(ADGRA3):c.2785T>C (p.Phe929Leu)

Gene: ADGRA3 (adhesion G protein-coupled receptor A3; minus strand). Cytogenetic location: 4p15.2.
Variant type: single nucleotide variant.
Coding change: c.2785T>C on transcript NM_145290.4 (MANE Select); coding-DNA position 2785, T replaced by C.
Protein change: p.Phe929Leu; replaces phenylalanine 929 with leucine.
Molecular consequence: missense variant.
Genome position (GRCh38, 1-based): chr4:22,388,886, A>G on the plus strand (T>C on the coding strand, the complement: ADGRA3 is on the minus strand). VCF-style: chr4-22388886-A-G. GRCh37 (hg19) VCF-style: chr4-22390509-A-G.
Other names: c.2785T>C (NM_145290.2); short protein forms F929L.
Identifiers: ClinVar variation 1045703 (VCV001045703.12), dbSNP rs200130550, ClinGen allele CA2873502.
Genomic context (GRCh38, chr4:22,388,886, plus strand): 5'-TGCGCTCAGGGTGTCTTTTCAACTGAATAAATATGCTCAGAAAGTACATGCAGTTTACAA[A>G]AGTGATGAAGCTGGCTGGCCCATAGAAGGCTCCCAAGGAGGGTTCCCATGCCATCCAGCA-3'
Protein context (NP_660333.2, residues 919-939): AFYGPASFIT[Phe929Leu]VNCMYFLSIF